The following is an entry in ClinVar:

ClinVar aggregate classification (germline): Pathogenic (1 of 4 stars; one submission).

Submission:

GeneDx
Classification: Pathogenic. Last evaluated: 2018-10-09. Review status: criteria provided, single submitter. Criteria: GeneDx Variant Classification (06012015). Collection method: clinical testing. Allele origin: germline. Affected: yes.
Comment: The c.4697dupC pathogenic variant in the CACNA1A gene causes a frameshift starting with codon Proline 1567, changes this amino acid to a Alanine residue and creates a premature Stop codon at position 29 of the new reading frame, denoted p.Pro1567AlafsX29. This pathogenic variant is predicted to cause loss of normal protein function either through protein truncation or nonsense-mediated mRNA decay. The c.4697dupC variant is not observed in large population cohorts (Lek et al., 2016). Although this pathogenic variant has not been previously reported to our knowledge, its presence is consistent with the diagnosis of a CACNA1A-related disorder in this individual.

NM_001127222.2(CACNA1A):c.4694dup (p.Pro1566fs)

Gene: CACNA1A (calcium voltage-gated channel subunit alpha1 A; minus strand). Cytogenetic location: 19p13.13.
Variant type: Duplication.
Coding change: c.4694dup on transcript NM_001127222.2 (MANE Select); coding-DNA position 4694, one base duplicated (C; older notation c.4694dupC).
Protein change: p.Pro1566fs; shifts the reading frame from proline 1566.
Molecular consequence: frameshift variant.
Genome position (GRCh38, 1-based): chr19:13,255,156, G duplicated on the plus strand (C on the coding strand, the reverse complement: CACNA1A is on the minus strand); the first of 2 consecutive G bases (chr19:13,255,156-13,255,157); duplicating either gives the same sequence. VCF-style (leftmost placement, unchanged base first): chr19-13255155-C-CG. GRCh37 (hg19) VCF-style: chr19-13365969-C-CG.
Other names: c.4697dupC (NM_001127221.1); c.4706dup, p.Pro1570fs (NM_000068.4, NM_023035.3); c.4697dup, p.Pro1567fs (NM_001127221.2, NM_001174080.2); short protein forms P1570fs, P1567fs, P1566fs.
Identifiers: ClinVar variation 817863 (VCV000817863.1), dbSNP rs1600180395, ClinGen allele CA915952893.